The following is an entry in ClinVar:

ClinVar aggregate classification (germline): Pathogenic (1 of 4 stars; one submission).

Submission:

GeneDx
Classification: Pathogenic. Last evaluated: 2025-02-13. Review status: criteria provided, single submitter. Criteria: GeneDx Variant Classification Process June 2021. Collection method: clinical testing. Allele origin: germline. Affected: yes.
Comment: Frameshift variant predicted to result in protein truncation or nonsense mediated decay in a gene for which loss of function is a known mechanism of disease; Not observed at significant frequency in large population cohorts (gnomAD); Has not been previously published as pathogenic or benign to our knowledge

NM_006372.5(SYNCRIP):c.700_701del (p.Ile234fs)

Gene: SYNCRIP (synaptotagmin binding cytoplasmic RNA interacting protein; minus strand). Cytogenetic location: 6q14.3.
Variant type: Microsatellite.
Coding change: c.700_701del on transcript NM_006372.5 (MANE Select); coding-DNA positions 700 to 701, 2 bases deleted (AT; older notation c.700_701delAT).
Protein change: p.Ile234fs; shifts the reading frame from isoleucine 234.
Molecular consequence: frameshift variant.
Genome position (GRCh38, 1-based): chr6:85,624,078-85,624,079, AT deleted on the plus strand (AT on the coding strand, the reverse complement: SYNCRIP is on the minus strand); deleting any 2 consecutive bases within chr6:85,624,078-85,624,081 gives the same sequence; the c. name uses the placement nearest the transcript's 3' end. VCF-style (leftmost placement, unchanged base first): chr6-85624077-AAT-A. GRCh37 (hg19) VCF-style: chr6-86333795-AAT-A.
Other names: c.406_407del, p.Ile136fs (NM_001159673.2, NM_001410938.1, NM_001439159.1); c.700_701del, p.Ile234fs (NM_001159674.2, NM_001159675.2, NM_001159676.2 and 5 more transcripts); c.244_245del, p.Ile82fs (NM_001253771.2); short protein forms I136fs, I234fs, I82fs.
Identifiers: ClinVar variation 4075486 (VCV004075486.1).